The following is an entry in ClinVar:

NM_001206999.2(CIT):c.3336C>T (p.Thr1112=)

Gene: CIT (citron rho-interacting serine/threonine kinase; minus strand). Cytogenetic location: 12q24.23.
Variant type: single nucleotide variant.
Coding change: c.3336C>T on transcript NM_001206999.2 (MANE Select); coding-DNA position 3336, C replaced by T.
Protein change: p.Thr1112=; no amino-acid change (threonine 1112 retained).
Molecular consequence: synonymous variant.
Genome position (GRCh38, 1-based): chr12:119,734,178, G>A on the plus strand (C>T on the coding strand, the complement: CIT is on the minus strand). VCF-style: chr12-119734178-G-A. GRCh37 (hg19) VCF-style: chr12-120171983-G-A.
Other names: c.3210C>T, p.Thr1070= (NM_007174.3).
Identifiers: ClinVar variation 2181123 (VCV002181123.24), dbSNP rs562976687, ClinGen allele CA6821547.

ClinVar aggregate classification (germline): Benign/Likely benign. Review status: criteria provided, multiple submitters, no conflicts (2 of 4 stars). 2 submissions from 2 submitters: Benign (1); Likely benign (1). Last evaluated 2025-10-01.

Allele frequency attached by ClinVar (database versions not stated): TOPMed 0.00002; gnomAD 0.00010; ExAC 0.00040; 1000 Genomes Project 30x 0.00094; 1000 Genomes Project 0.00100.
gnomAD v4.1: 233 of 1,613,416 alleles (0.014%); highest among the groups gnomAD compares: South Asian, 0.22%; 1 homozygote.

Submissions (2):

CeGaT Center for Human Genetics Tuebingen
Classification: Likely benign. Last evaluated: 2025-10-01. Review status: criteria provided, single submitter. Criteria: CeGaT Center For Human Genetics Tuebingen Variant Classification Criteria Version 2. Collection method: clinical testing. Allele origin: germline. Affected: yes. Observed: 2 variant alleles.
Comment: CIT: BP4, BP7

Labcorp Genetics (formerly Invitae), Labcorp
Classification: Benign. Last evaluated: 2023-11-21. Review status: criteria provided, single submitter. Criteria: Invitae Variant Classification Sherloc (09022015). Collection method: clinical testing. Allele origin: germline.